The following is an entry in ClinVar:

NM_001376.5(DYNC1H1):c.1688G>A (p.Arg563Gln)

Gene: DYNC1H1 (dynein cytoplasmic 1 heavy chain 1; plus strand). Cytogenetic location: 14q32.31.
Variant type: single nucleotide variant.
Coding change: c.1688G>A on transcript NM_001376.5 (MANE Select); coding-DNA position 1688, G replaced by A.
Protein change: p.Arg563Gln; replaces arginine 563 with glutamine.
Molecular consequence: missense variant.
Genome position (GRCh38, 1-based): chr14:101,985,913, G>A. VCF-style: chr14-101985913-G-A. GRCh37 (hg19) VCF-style: chr14-102452250-G-A.
Other names: short protein forms R563Q.
Identifiers: ClinVar variation 1778059 (VCV001778059.5), dbSNP rs1035408536, ClinGen allele CA266980535.

ClinVar aggregate classification (germline): Uncertain significance. Review status: criteria provided, multiple submitters, no conflicts (2 of 4 stars). 2 submissions from 2 submitters: Uncertain significance (2). Last evaluated 2023-02-22.

Conditions:
Charcot-Marie-Tooth disease axonal type 2O. Also called: CHARCOT-MARIE-TOOTH NEUROPATHY, AXONAL, TYPE 2O; CHARCOT-MARIE-TOOTH DISEASE, AXONAL, AUTOSOMAL DOMINANT, TYPE 2O; Charcot-Marie-Tooth Neuropathy Type 2O; Charcot-Marie-Tooth disease, axonal, type 20. Identifiers: Orphanet 284232, MedGen C3280220, MONDO:0013644, OMIM 614228.
Inborn genetic diseases. Identifiers: MedGen C0950123, MeSH D030342.

Allele frequency attached by ClinVar (database versions not stated): gnomAD exomes below 0.00001; gnomAD 0.00001; TOPMed 0.00001.
gnomAD v4.1: 5 of 1,614,074 alleles (0.00031%); highest among the groups gnomAD compares: East Asian, 0.0022%; no homozygotes.

Submissions (2):

Labcorp Genetics (formerly Invitae), Labcorp
Classification: Uncertain significance for Charcot-Marie-Tooth disease axonal type 2O. Last evaluated: 2023-02-22. Review status: criteria provided, single submitter. Criteria: Invitae Variant Classification Sherloc (09022015). Collection method: clinical testing. Allele origin: germline.
Comment: ClinVar contains an entry for this variant (Variation ID: 1778059). In summary, the available evidence is currently insufficient to determine the role of this variant in disease. Therefore, it has been classified as a Variant of Uncertain Significance. Advanced modeling of protein sequence and biophysical properties (such as structural, functional, and spatial information, amino acid conservation, physicochemical variation, residue mobility, and thermodynamic stability) performed at Invitae indicates that this missense variant is not expected to disrupt DYNC1H1 protein function. This variant has not been reported in the literature in individuals affected with DYNC1H1-related conditions. This variant is not present in population databases (gnomAD no frequency). This sequence change replaces arginine, which is basic and polar, with glutamine, which is neutral and polar, at codon 563 of the DYNC1H1 protein (p.Arg563Gln).

Ambry Genetics
Classification: Uncertain significance for Inborn genetic diseases. Last evaluated: 2019-12-09. Review status: criteria provided, single submitter. Criteria: Ambry Variant Classification Scheme 2023. Collection method: clinical testing. Allele origin: germline.
Comment: The p.R563Q variant (also known as c.1688G>A), located in coding exon 8 of the DYNC1H1 gene, results from a G to A substitution at nucleotide position 1688. The arginine at codon 563 is replaced by glutamine, an amino acid with highly similar properties. This amino acid position is highly conserved in available vertebrate species. In addition, the in silico prediction for this alteration is inconclusive. Since supporting evidence is limited at this time, the clinical significance of this alteration remains unclear.